The following is an entry in ClinVar:

NM_012418.4(FSCN2):c.1105+2T>C

Gene: FSCN2 (fascin actin-bundling protein 2, retinal; plus strand). Cytogenetic location: 17q25.3.
Variant type: single nucleotide variant.
Coding change: c.1105+2T>C on transcript NM_012418.4 (MANE Select); the canonical splice donor site of the intron after coding-DNA position 1105, T replaced by C.
Molecular consequence: splice donor variant.
Genome position (GRCh38, 1-based): chr17:81,536,269, T>C. VCF-style: chr17-81536269-T-C. GRCh37 (hg19) VCF-style: chr17-79503295-T-C.
Other names: c.1105+2T>C (NM_001077182.3).
Identifiers: ClinVar variation 1045934 (VCV001045934.7), dbSNP rs1228466000, ClinGen allele CA401476832.

ClinVar aggregate classification (germline): Uncertain significance (1 of 4 stars; one submission).

Allele frequency attached by ClinVar (database versions not stated): gnomAD exomes 0.00001.
gnomAD v4.1: 3 of 1,595,792 alleles (0.00019%); highest among the groups gnomAD compares: Admixed American, 0.0052%; no homozygotes.

Submission:

Labcorp Genetics (formerly Invitae), Labcorp
Classification: Uncertain significance. Last evaluated: 2025-11-07. Review status: criteria provided, single submitter. Criteria: Invitae Variant Classification Sherloc (09022015). Collection method: clinical testing. Allele origin: germline.
Comment: This sequence change affects a donor splice site in intron 3 of the FSCN2 gene. It is expected to disrupt RNA splicing. Variants that disrupt the donor or acceptor splice site typically lead to a loss of protein function (PMID: 16199547), however the current clinical and genetic evidence is not sufficient to establish whether loss-of-function variants in FSCN2 cause disease. The frequency data for this variant in the population databases is considered unreliable, as metrics indicate poor data quality at this position in the gnomAD database. This variant has not been reported in the literature in individuals affected with FSCN2-related conditions. ClinVar contains an entry for this variant (Variation ID: 1045934). Algorithms developed to predict the effect of sequence changes on RNA splicing suggest that this variant may disrupt the consensus splice site. In summary, the available evidence is currently insufficient to determine the role of this variant in disease. Therefore, it has been classified as a Variant of Uncertain Significance.

Literature cited by the submitters: PubMed 16199547.